The following is an entry in ClinVar:

ClinVar aggregate classification (germline): Uncertain significance. Review status: criteria provided, multiple submitters, no conflicts (2 of 4 stars). 2 submissions from 2 submitters: Uncertain significance (2). Last evaluated 2024-10-15.

Allele frequency attached by ClinVar (database versions not stated): gnomAD exomes below 0.00001; gnomAD 0.00001; TOPMed 0.00001.
gnomAD v4.1: 3 of 1,610,412 alleles (0.00019%); highest among the groups gnomAD compares: African/African-American, 0.0013%; no homozygotes.

Submissions (2):

Labcorp Genetics (formerly Invitae), Labcorp
Classification: Uncertain significance. Last evaluated: 2024-10-15. Review status: criteria provided, single submitter. Criteria: Invitae Variant Classification Sherloc (09022015). Collection method: clinical testing. Allele origin: germline.
Comment: This sequence change replaces tyrosine, which is neutral and polar, with cysteine, which is neutral and slightly polar, at codon 788 of the BUB1 protein (p.Tyr788Cys). This variant is present in population databases (no rsID available, gnomAD 0.004%). This variant has not been reported in the literature in individuals affected with BUB1-related conditions. ClinVar contains an entry for this variant (Variation ID: 1790183). Experimental studies and prediction algorithms are not available or were not evaluated, and the functional significance of this variant is currently unknown. In summary, the available evidence is currently insufficient to determine the role of this variant in disease. Therefore, it has been classified as a Variant of Uncertain Significance.

Ambry Genetics
Classification: Uncertain significance. Last evaluated: 2023-10-21. Review status: criteria provided, single submitter. Criteria: Ambry Variant Classification Scheme 2023. Collection method: clinical testing. Allele origin: germline.
Comment: The p.Y788C variant (also known as c.2363A>G), located in coding exon 20 of the BUB1 gene, results from an A to G substitution at nucleotide position 2363. The tyrosine at codon 788 is replaced by cysteine, an amino acid with highly dissimilar properties. This amino acid position is conserved. In addition, this alteration is predicted to be tolerated by in silico analysis. Since supporting evidence is limited at this time, the clinical significance of this alteration remains unclear.

NM_004336.5(BUB1):c.2363A>G (p.Tyr788Cys)

Gene: BUB1 (BUB1 mitotic checkpoint serine/threonine kinase; minus strand). Cytogenetic location: 2q13.
Variant type: single nucleotide variant.
Coding change: c.2363A>G on transcript NM_004336.5 (MANE Select); coding-DNA position 2363, A replaced by G.
Protein change: p.Tyr788Cys; replaces tyrosine 788 with cysteine.
Molecular consequence: missense variant.
Genome position (GRCh38, 1-based): chr2:110,642,219, T>C on the plus strand (A>G on the coding strand, the complement: BUB1 is on the minus strand). VCF-style: chr2-110642219-T-C. GRCh37 (hg19) VCF-style: chr2-111399796-T-C.
Other names: c.2303A>G, p.Tyr768Cys (NM_001278616.2); c.2363A>G, p.Tyr788Cys (NM_001278617.2); short protein forms Y788C, Y768C.
Identifiers: ClinVar variation 1790183 (VCV001790183.4), dbSNP rs1331249671, ClinGen allele CA348209302.